The following is an entry in ClinVar:

NM_004959.5(NR5A1):c.880C>G (p.Gln294Glu)

Gene: NR5A1 (nuclear receptor subfamily 5 group A member 1; minus strand). Cytogenetic location: 9q33.3.
Variant type: single nucleotide variant.
Coding change: c.880C>G on transcript NM_004959.5 (MANE Select); coding-DNA position 880, C replaced by G.
Protein change: p.Gln294Glu; replaces glutamine 294 with glutamic acid.
Molecular consequence: missense variant.
Genome position (GRCh38, 1-based): chr9:124,493,140, G>C on the plus strand (C>G on the coding strand, the complement: NR5A1 is on the minus strand). VCF-style: chr9-124493140-G-C. GRCh37 (hg19) VCF-style: chr9-127255419-G-C.
Other names: short protein forms Q294E.
Identifiers: ClinVar variation 2662845 (VCV002662845.2), dbSNP rs2538676433, ClinGen allele CA374882721.

ClinVar aggregate classification (germline): Uncertain significance (1 of 4 stars; one submission).

Submission:

GeneDx
Classification: Uncertain significance. Last evaluated: 2025-01-03. Review status: criteria provided, single submitter. Criteria: GeneDx Variant Classification Process June 2021. Collection method: clinical testing. Allele origin: germline.
Comment: Has not been previously published as pathogenic or benign to our knowledge; Not observed at significant frequency in large population cohorts (gnomAD); In silico analysis indicates that this missense variant does not alter protein structure/function